The following is an entry in ClinVar:

NM_002715.4(PPP2CA):c.329G>A (p.Arg110His)

Gene: PPP2CA (protein phosphatase 2 catalytic subunit alpha; minus strand). Cytogenetic location: 5q31.1.
Variant type: single nucleotide variant.
Coding change: c.329G>A on transcript NM_002715.4 (MANE Select); coding-DNA position 329, G replaced by A.
Protein change: p.Arg110His; replaces arginine 110 with histidine.
Molecular consequence: missense variant. On other transcripts: non-coding transcript variant (1).
Genome position (GRCh38, 1-based): chr5:134,202,005, C>T on the plus strand (G>A on the coding strand, the complement: PPP2CA is on the minus strand). VCF-style: chr5-134202005-C-T. GRCh37 (hg19) VCF-style: chr5-133537696-C-T.
Other names: c.134G>A, p.Arg45His (NM_001355019.2); short protein forms R110H, R45H.
Identifiers: ClinVar variation 2106705 (VCV002106705.5), dbSNP rs1184980074, ClinGen allele CA360993258.

ClinVar aggregate classification (germline): Conflicting classifications of pathogenicity. Review status: criteria provided, conflicting classifications (1 of 4 stars). 2 submissions from 2 submitters: Likely pathogenic (1); Uncertain significance (1). Last evaluated 2022-07-06.

Conditions:
PPP2CA-related disorder. Also called: PPP2CA-related condition.

Submissions (2):

Blueprint Genetics
Classification: Likely pathogenic for PPP2CA-related disorders. Last evaluated: 2022-07-06. Review status: criteria provided, single submitter. Criteria: ACMG Guidelines, 2015. Collection method: clinical testing. Allele origin: de novo. Affected: yes. Observed: 1 variant allele.

Labcorp Genetics (formerly Invitae), Labcorp
Classification: Uncertain significance. Last evaluated: 2022-03-04. Review status: criteria provided, single submitter. Criteria: Invitae Variant Classification Sherloc (09022015). Collection method: clinical testing. Allele origin: germline.
Comment: In summary, the available evidence is currently insufficient to determine the role of this variant in disease. Therefore, it has been classified as a Variant of Uncertain Significance. Algorithms developed to predict the effect of missense changes on protein structure and function are either unavailable or do not agree on the potential impact of this missense change (SIFT: "Deleterious"; PolyPhen-2: "Benign"; Align-GVGD: "Class C0"). This variant has not been reported in the literature in individuals affected with PPP2CA-related conditions. This variant is not present in population databases (gnomAD no frequency). This sequence change replaces arginine, which is basic and polar, with histidine, which is basic and polar, at codon 110 of the PPP2CA protein (p.Arg110His).